The following is an entry in ClinVar:

NM_001349253.2(SCN11A):c.2836G>A (p.Ala946Thr)

Gene: SCN11A (sodium voltage-gated channel alpha subunit 11; minus strand). Cytogenetic location: 3p22.2.
Variant type: single nucleotide variant.
Coding change: c.2836G>A on transcript NM_001349253.2 (MANE Select); coding-DNA position 2836, G replaced by A.
Protein change: p.Ala946Thr; replaces alanine 946 with threonine.
Molecular consequence: missense variant.
Genome position (GRCh38, 1-based): chr3:38,886,238, C>T on the plus strand (G>A on the coding strand, the complement: SCN11A is on the minus strand). VCF-style: chr3-38886238-C-T. GRCh37 (hg19) VCF-style: chr3-38927729-C-T.
Other names: c.2836G>A, p.Ala946Thr (NM_014139.3); short protein forms A946T.
Identifiers: ClinVar variation 1367422 (VCV001367422.8), dbSNP rs905431246, ClinGen allele CA72991478.
Genomic context (GRCh38, chr3:38,886,238, plus strand): 5'-TTTCCACACTTTGAACTCTCTGGCTCGTGGGCTTCTTGTTCTCCTGATGGAGCTCATAGG[C>T]CTAACACAGAGAGCCCAGAATAGAATTAATATTCCTCCTGGACATGTCACTTAAGATGAA-3'
Protein context (NP_001336182.1, residues 936-956): RITQPEPEQQ[Ala946Thr]YELHQENKKP

ClinVar aggregate classification (germline): Uncertain significance (1 of 4 stars; one submission).

Conditions:
Hereditary sensory and autonomic neuropathy type 7. Also called: Neuropathy, hereditary sensory and autonomic, type VII; HSAN VII. Identifiers: Orphanet 391397, MedGen C3809882, MONDO:0014244, OMIM 615548.
Familial episodic pain syndrome with predominantly lower limb involvement. Also called: Episodic pain syndrome, familial, 3. Identifiers: Orphanet 391384, Orphanet 391392, MedGen C3809899, MONDO:0014247, OMIM 615552.

Submission:

Labcorp Genetics (formerly Invitae), Labcorp
Classification: Uncertain significance for Familial episodic pain syndrome with predominantly lower limb involvement; Hereditary sensory and autonomic neuropathy type 7. Last evaluated: 2021-07-14. Review status: criteria provided, single submitter. Criteria: Invitae Variant Classification Sherloc (09022015). Collection method: clinical testing. Allele origin: germline.
Comment: Algorithms developed to predict the effect of missense changes on protein structure and function output the following: SIFT: "Deleterious"; PolyPhen-2: "Benign"; Align-GVGD: "Class C0". The threonine amino acid residue is found in multiple mammalian species, which suggests that this missense change does not adversely affect protein function. This variant has not been reported in the literature in individuals affected with SCN11A-related conditions. This variant is not present in population databases (ExAC no frequency). This sequence change replaces alanine with threonine at codon 946 of the SCN11A protein (p.Ala946Thr). The alanine residue is moderately conserved and there is a small physicochemical difference between alanine and threonine. In summary, the available evidence is currently insufficient to determine the role of this variant in disease. Therefore, it has been classified as a Variant of Uncertain Significance.